The following is an entry in ClinVar:

NM_001378615.1(CC2D2A):c.3873T>C (p.Ile1291=)

Genes: CC2D2A (coiled-coil and C2 domain containing 2A; plus strand), FBXL5 (F-box and leucine rich repeat protein 5; minus strand). Cytogenetic location: 4p15.32.
Variant type: single nucleotide variant.
Coding change: c.3873T>C on transcript NM_001378615.1 (MANE Select); coding-DNA position 3873, T replaced by C.
Protein change: p.Ile1291=; no amino-acid change (isoleucine 1291 retained).
Molecular consequence: synonymous variant.
Genome position (GRCh38, 1-based): chr4:15,580,069, T>C. VCF-style: chr4-15580069-T-C. GRCh37 (hg19) VCF-style: chr4-15581692-T-C.
Other names: c.3873T>C, p.Ile1291= (NM_001080522.2); c.3726T>C, p.Ile1242= (NM_001378617.1).
Identifiers: ClinVar variation 2074675 (VCV002074675.6), dbSNP rs200269652, ClinGen allele CA92521990.

ClinVar aggregate classification (germline): Likely benign. Review status: criteria provided, multiple submitters, no conflicts (2 of 4 stars). 3 submissions from 3 submitters: Likely benign (3). Last evaluated 2025-10-31.

Conditions:
CC2D2A-related disorder. Also called: CC2D2A-related condition; CC2D2A-related disorders. Identifiers: MedGen CN239313.
Joubert syndrome. Also called: JOUBERT-BOLTSHAUSER SYNDROME; Familial aplasia of the vermis. Identifiers: Orphanet 475, MedGen C5979921, MONDO:0018772.
Meckel-Gruber syndrome. Also called: DYSENCEPHALIA SPLANCHNOCYSTICA; GRUBER SYNDROME; Dysencephalia splachnocystica. Identifiers: Orphanet 564, MedGen C0265215, MONDO:0018921.

Allele frequency attached by ClinVar (database versions not stated): gnomAD 0.00001; gnomAD exomes 0.00001; TOPMed 0.00001.
gnomAD v4.1: 4 of 1,613,854 alleles (0.00025%); highest among the groups gnomAD compares: East Asian, 0.0022%; no homozygotes.

Submissions (3):

PreventionGenetics, part of Exact Sciences
Classification: Likely benign for CC2D2A-related condition. Last evaluated: 2025-10-31. Review status: criteria provided, single submitter. Criteria: ACMG Guidelines, 2015. Collection method: clinical testing. Allele origin: germline.
Comment: This variant is classified as likely benign based on ACMG/AMP sequence variant interpretation guidelines (Richards et al. 2015 PMID: 25741868, with internal and published modifications).

Labcorp Genetics (formerly Invitae), Labcorp
Classification: Likely benign for Joubert syndrome; Meckel-Gruber syndrome. Last evaluated: 2023-12-26. Review status: criteria provided, single submitter. Criteria: Invitae Variant Classification Sherloc (09022015). Collection method: clinical testing. Allele origin: germline.

Blueprint Genetics
Classification: Likely benign. Last evaluated: 2022-08-18. Review status: criteria provided, single submitter. Criteria: ACMG Guidelines, 2015. Collection method: clinical testing. Allele origin: germline.